The following is an entry in ClinVar:

NM_000204.5(CFI):c.1060C>T (p.Gln354Ter)

Gene: CFI (complement factor I; minus strand). Cytogenetic location: 4q25.
Variant type: single nucleotide variant.
Coding change: c.1060C>T on transcript NM_000204.5 (MANE Select); coding-DNA position 1060, C replaced by T.
Protein change: p.Gln354Ter; replaces glutamine 354 with a stop codon.
Molecular consequence: nonsense. On other transcripts: non-coding transcript variant (3).
Genome position (GRCh38, 1-based): chr4:109,749,306, G>A on the plus strand (C>T on the coding strand, the complement: CFI is on the minus strand). VCF-style: chr4-109749306-G-A. GRCh37 (hg19) VCF-style: chr4-110670462-G-A.
Other names: c.1039C>T, p.Gln347Ter (NM_001331035.2, NM_001375280.1, NM_001375282.1 and 1 more transcripts); c.1084C>T, p.Gln362Ter (NM_001375278.1, NM_001440988.1, NM_001318057.2); c.1060C>T, p.Gln354Ter (NM_001375279.1, NM_001375281.1, NM_001440989.1); c.1003C>T, p.Gln335Ter (NM_001375283.1); c.451C>T, p.Gln151Ter (NM_001375284.1); c.1081C>T, p.Gln361Ter (NM_001440985.1, NM_001440986.1); short protein forms Q151*, Q335*, Q347*, Q354*, Q361*, Q362*.
Identifiers: ClinVar variation 4280443 (VCV004280443.1).

ClinVar aggregate classification (germline): Likely pathogenic/Pathogenic, low penetrance. Review status: criteria provided, multiple submitters, no conflicts (2 of 4 stars). 2 submissions from 2 submitters: Likely pathogenic (1); Pathogenic, low penetrance (1). Last evaluated 2025-09-26.

Conditions:
Factor I deficiency (CFID). Also called: Complement factor I deficiency. Identifiers: Orphanet 200418, MedGen C3463916, MONDO:0012594, OMIM 610984.
CFI-related disorder. Also called: CFI-related condition; CFI-related disorders. Identifiers: MedGen CN239325.

Submissions (2):

Genomenon, Inc
Classification: Pathogenic, low penetrance for CFI-related disorder. Last evaluated: 2025-09-26. Review status: criteria provided, single submitter. Criteria: Genomenon Sequence Variant Interpretation Standards - Updated. Collection method: curation. Allele origin: germline. Affected: yes.
Comment: CFI p.Gln354Ter (c.1060C>T) is a nonsense variant that introduces a premature stop codon at amino acid position 354, creating a truncated protein that is predicted to undergo nonsense-mediated mRNA decay. This variant has been observed in at least one proband affected with complement factor I deficiency (PMID:19065647). At least one functional study has demonstrated a substantial alteration in protein function relative to the wild-type (PMID:19065647). It is absent or not present at a significant frequency in gnomAD. In conclusion, we classify CFI p.Gln354Ter (c.1060C>T) as a pathogenic, low penetrance variant.

First Genomix Gene Laboratory, Genetic Diagnostics Department
Classification: Likely pathogenic for Factor I deficiency. Last evaluated: 2025-09-19. Review status: criteria provided, single submitter. Criteria: ACMG Guidelines, 2015. Collection method: clinical testing. Allele origin: germline. Inheritance: Autosomal recessive inheritance. Affected: no. Observed: 1 variant allele.

Literature cited by the submitters: PubMed 19065647 (cited by Genomenon, Inc).